The following is an entry in ClinVar:

NM_022124.6(CDH23):c.5502A>G (p.Thr1834=)

Gene: CDH23 (cadherin related 23; plus strand). Cytogenetic location: 10q22.1.
Variant type: single nucleotide variant.
Coding change: c.5502A>G on transcript NM_022124.6 (MANE Select); coding-DNA position 5502, A replaced by G.
Protein change: p.Thr1834=; no amino-acid change (threonine 1834 retained).
Molecular consequence: synonymous variant.
Genome position (GRCh38, 1-based): chr10:71,784,420, A>G. VCF-style: chr10-71784420-A-G. GRCh37 (hg19) VCF-style: chr10-73544177-A-G.
Other names: c.5502A>G (NM_022124.5).
Identifiers: ClinVar variation 2049939 (VCV002049939.4), dbSNP rs372785265, ClinGen allele CA5545770.

ClinVar aggregate classification (germline): Conflicting classifications of pathogenicity. Review status: criteria provided, conflicting classifications (1 of 4 stars). 2 submissions from 2 submitters: Uncertain significance (1); Likely benign (1). Last evaluated 2026-04-09.

Conditions:
CDH23-related disorder. Also called: CDH23-related condition; CDH23-related disorders.

Allele frequency attached by ClinVar (database versions not stated): gnomAD 0.00001; gnomAD exomes 0.00001; ExAC 0.00003; 1000 Genomes Project 0.00020; 1000 Genomes Project 30x 0.00031.
gnomAD v4.1: 21 of 1,612,422 alleles (0.0013%); highest among the groups gnomAD compares: East Asian, 0.018%; no homozygotes.

Submissions (2):

PreventionGenetics, part of Exact Sciences
Classification: Likely benign for CDH23-related condition. Last evaluated: 2026-04-09. Review status: criteria provided, single submitter. Criteria: ACMG Guidelines, 2015. Collection method: clinical testing. Allele origin: germline.
Comment: This variant is classified as likely benign based on ACMG/AMP sequence variant interpretation guidelines (Richards et al. 2015 PMID: 25741868, with internal and published modifications).

Labcorp Genetics (formerly Invitae), Labcorp
Classification: Uncertain significance. Last evaluated: 2024-12-18. Review status: criteria provided, single submitter. Criteria: Invitae Variant Classification Sherloc (09022015). Collection method: clinical testing. Allele origin: germline.
Comment: This sequence change affects codon 1834 of the CDH23 mRNA. It is a 'silent' change, meaning that it does not change the encoded amino acid sequence of the CDH23 protein. It affects a nucleotide within the consensus splice site. This variant is present in population databases (rs372785265, gnomAD 0.03%). This variant has not been reported in the literature in individuals affected with CDH23-related conditions. ClinVar contains an entry for this variant (Variation ID: 2049939). Algorithms developed to predict the effect of sequence changes on RNA splicing suggest that this variant is not likely to affect RNA splicing. In summary, the available evidence is currently insufficient to determine the role of this variant in disease. Therefore, it has been classified as a Variant of Uncertain Significance.